The following is an entry in ClinVar:

NM_006265.3(RAD21):c.1604A>T (p.Asp535Val)

Gene: RAD21 (RAD21 cohesin complex component; minus strand). Cytogenetic location: 8q24.11.
Variant type: single nucleotide variant.
Coding change: c.1604A>T on transcript NM_006265.3 (MANE Select); coding-DNA position 1604, A replaced by T.
Protein change: p.Asp535Val; replaces aspartic acid 535 with valine.
Molecular consequence: missense variant.
Genome position (GRCh38, 1-based): chr8:116,850,634, T>A on the plus strand (A>T on the coding strand, the complement: RAD21 is on the minus strand). VCF-style: chr8-116850634-T-A. GRCh37 (hg19) VCF-style: chr8-117862873-T-A.
Other names: short protein forms D535V.
Identifiers: ClinVar variation 3371788 (VCV003371788.1).
Genomic context (GRCh38, chr8:116,850,634, plus strand): 5'-GAGGTTTTTGCTAAATCTGGAATGAAAATTATTAATTAGTTTACCTCTTCCTCTTCATCA[T>A]CTTCTTTTTCCTTCTCTTTCTCCTTCTCTTTTTCTGGCAGAAGTTCTAACTCTGGTATTA-3'
Protein context (NP_006256.1, residues 525-545): KEKEKEKEKE[Asp535Val]DEEEEDEDAS

ClinVar aggregate classification (germline): Uncertain significance (1 of 4 stars; one submission).

Submission:

GeneDx
Classification: Uncertain significance. Last evaluated: 2024-03-28. Review status: criteria provided, single submitter. Criteria: GeneDx Variant Classification Process June 2021. Collection method: clinical testing. Allele origin: germline. Affected: yes.
Comment: Not observed at significant frequency in large population cohorts (gnomAD); In silico analysis supports that this missense variant does not alter protein structure/function; Has not been previously published as pathogenic or benign to our knowledge